The following is an entry in ClinVar:

NM_133433.4(NIPBL):c.64+4del

Gene: NIPBL (NIPBL cohesin loading factor; plus strand). Cytogenetic location: 5p13.2.
Variant type: Deletion.
Coding change: c.64+4del on transcript NM_133433.4 (MANE Select); 4 bases into the intron after coding-DNA position 64, one base deleted (A; older notation c.64+4delA).
Molecular consequence: intron variant.
Genome position (GRCh38, 1-based): chr5:36,953,764, A deleted; the last of 2 consecutive A bases (chr5:36,953,763-36,953,764); deleting either gives the same sequence. VCF-style (leftmost placement, unchanged base first): chr5-36953762-TA-T. GRCh37 (hg19) VCF-style: chr5-36953864-TA-T.
Other names: c.64+4del (NM_015384.5).
Identifiers: ClinVar variation 998799 (VCV000998799.6), dbSNP rs1740653321, ClinGen allele CA1539571493.

ClinVar aggregate classification (germline): Uncertain significance (1 of 4 stars; one submission).

Conditions:
Cornelia de Lange syndrome 1 (CDLS1). Also called: NIPBL-Related Cornelia de Lange Syndrome; Brachmann de Lange syndrome; TYPUS DEGENERATIVUS AMSTELODAMENSIS. Identifiers: Orphanet 199, MedGen C4551851, MONDO:0007387, OMIM 122470.

Submission:

Labcorp Genetics (formerly Invitae), Labcorp
Classification: Uncertain significance for Cornelia de Lange syndrome 1. Last evaluated: 2020-08-14. Review status: criteria provided, single submitter. Criteria: Invitae Variant Classification Sherloc (09022015). Collection method: clinical testing. Allele origin: germline.
Comment: This variant is not present in population databases (ExAC no frequency). This sequence change falls in intron 2 of the NIPBL gene. It does not directly change the encoded amino acid sequence of the NIPBL protein, but it affects a nucleotide within the consensus splice site of the intron. This variant has not been reported in the literature in individuals with NIPBL-related conditions. In summary, the available evidence is currently insufficient to determine the role of this variant in disease. Therefore, it has been classified as a Variant of Uncertain Significance. Nucleotide substitutions within the consensus splice site are a relatively common cause of aberrant splicing (PMID: 17576681, 9536098). Algorithms developed to predict the effect of sequence changes on RNA splicing suggest that this variant may disrupt the consensus splice site, but this prediction has not been confirmed by published transcriptional studies.

Literature cited by the submitters: PubMed 17576681; PubMed 9536098.